The following is an entry in ClinVar:

NM_007098.4(CLTCL1):c.4580T>G (p.Leu1527Arg)

Gene: CLTCL1 (clathrin heavy chain like 1; minus strand). Cytogenetic location: 22q11.21.
Variant type: single nucleotide variant.
Coding change: c.4580T>G on transcript NM_007098.4 (MANE Select); coding-DNA position 4580, T replaced by G.
Protein change: p.Leu1527Arg; replaces leucine 1527 with arginine.
Molecular consequence: missense variant. On other transcripts: intron variant (1).
Genome position (GRCh38, 1-based): chr22:19,187,583, A>C on the plus strand (T>G on the coding strand, the complement: CLTCL1 is on the minus strand). VCF-style: chr22-19187583-A-C. GRCh37 (hg19) VCF-style: chr22-19175095-A-C.
Other names: p.Leu1527Arg; c.4434+398T>G (NM_001835.4); short protein forms L1527R.
Identifiers: ClinVar variation 4542421 (VCV004542421.1).

ClinVar aggregate classification (germline): Uncertain significance (1 of 4 stars; one submission).

gnomAD v4.1: 509 of 1,612,648 alleles (0.032%); highest among the groups gnomAD compares: African/African-American, 0.22%; no homozygotes.

Submission:

Mayo Clinic Laboratories, Mayo Clinic
Classification: Uncertain significance. Last evaluated: 2025-10-30. Review status: criteria provided, single submitter. Criteria: ACMG Guidelines, 2015. Collection method: clinical testing. Allele origin: germline. Observed: 1 variant allele.
Comment: PP3, PM2_supporting